The following is an entry in ClinVar:

NM_000384.3(APOB):c.5064C>T (p.Gly1688=)

Gene: APOB (apolipoprotein B; minus strand). Cytogenetic location: 2p24.1.
Variant type: single nucleotide variant.
Coding change: c.5064C>T on transcript NM_000384.3 (MANE Select); coding-DNA position 5064, C replaced by T.
Protein change: p.Gly1688=; no amino-acid change (glycine 1688 retained).
Molecular consequence: synonymous variant.
Genome position (GRCh38, 1-based): chr2:21,011,804, G>A on the plus strand (C>T on the coding strand, the complement: APOB is on the minus strand). VCF-style: chr2-21011804-G-A. GRCh37 (hg19) VCF-style: chr2-21234676-G-A.
Identifiers: ClinVar variation 697800 (VCV000697800.21), dbSNP rs528083505, ClinGen allele CA061604.

ClinVar aggregate classification (germline): Likely benign. Review status: criteria provided, multiple submitters, no conflicts (2 of 4 stars). 6 submissions from 6 submitters: Likely benign (6). Last evaluated 2026-03-27.

Conditions:
Familial hypercholesterolemia. Also called: Familial hypercholesterolemias; Familial hypercholesterolaemia. Identifiers: MedGen C0020445, MONDO:0005439.
Cardiovascular phenotype. Identifiers: MedGen CN230736.
Familial hypobetalipoproteinemia 1. Also called: APOB-Related Familial Hypobetalipoproteinemia; Hypobetalipoproteinemia, normotriglyceridemic; Acanthocytosis with hypobetalipoproteinemia. Identifiers: MedGen C4551990, MONDO:0014252, OMIM 615558.
Hypercholesterolemia, autosomal dominant, type B (FHCL2). Also called: APOB-Related Familial Hypercholesterolemia, Autosomal Dominant; APOLIPOPROTEIN B-100, FAMILIAL DEFECTIVE; APOLIPOPROTEIN B-100, FAMILIAL LIGAND-DEFECTIVE; HYPERCHOLESTEROLEMIA, FAMILIAL, DUE TO LIGAND-DEFECTIVE APOLIPOPROTEIN B; Familial hypercholesterolemia 2; Familial Hypercholesterolemia Type B. Identifiers: MedGen C1704417, MONDO:0007751, OMIM 144010.

Allele frequency attached by ClinVar (database versions not stated): ExAC 0.00006; gnomAD exomes 0.00008 and 0.00019; TOPMed 0.00014; gnomAD 0.00015.
gnomAD v4.1: 289 of 1,613,980 alleles (0.018%); highest among the groups gnomAD compares: Non-Finnish European, 0.024%; no homozygotes.

Submissions (6):

Molecular Diagnostic Laboratory for Inherited Cardiovascular Disease, Montreal Heart Institute
Classification: Likely benign. Last evaluated: 2026-03-27. Review status: criteria provided, single submitter. Criteria: ACMG Guidelines, 2015. Collection method: clinical testing. Allele origin: germline. Affected: no.
Comment: BP7

Labcorp Genetics (formerly Invitae), Labcorp
Classification: Likely benign for Familial hypobetalipoproteinemia 1; Hypercholesterolemia, autosomal dominant, type B. Last evaluated: 2025-12-27. Review status: criteria provided, single submitter. Criteria: Invitae Variant Classification Sherloc (09022015). Collection method: clinical testing. Allele origin: germline.

GENinCode PLC
Classification: Likely benign for Familial hypercholesterolemia. Last evaluated: 2025-04-10. Review status: criteria provided, single submitter. Criteria: ACMG Guidelines, 2015. Collection method: clinical testing. Allele origin: germline.
Comment: This is a synonymous (silent) variant that is not predicted to impact splicing and occurs at a nucleotide which is not highly conserved. This variant has been classified as Likely Benign (BP4, BP7).

Blueprint Genetics
Classification: Likely benign. Last evaluated: 2024-08-26. Review status: criteria provided, single submitter. Criteria: ACMG Guidelines, 2015. Collection method: clinical testing. Allele origin: germline.

ARUP Laboratories, Molecular Genetics and Genomics, ARUP Laboratories
Classification: Likely benign. Last evaluated: 2023-03-03. Review status: criteria provided, single submitter. Criteria: ARUP Molecular Germline Variant Investigation Process 2024. Collection method: clinical testing. Allele origin: germline.

Ambry Genetics
Classification: Likely benign for Cardiovascular phenotype. Last evaluated: 2022-04-03. Review status: criteria provided, single submitter. Criteria: Ambry Variant Classification Scheme 2023. Collection method: clinical testing. Allele origin: germline.